The following is an entry in ClinVar:

NM_014795.4(ZEB2):c.289del (p.Trp97fs)

Gene: ZEB2 (zinc finger E-box binding homeobox 2; minus strand). Cytogenetic location: 2q22.3.
Variant type: Deletion.
Coding change: c.289del on transcript NM_014795.4 (MANE Select); coding-DNA position 289, one base deleted (T; older notation c.289delT).
Protein change: p.Trp97fs; shifts the reading frame from tryptophan 97.
Molecular consequence: frameshift variant.
Genome position (GRCh38, 1-based): chr2:144,429,811, A deleted on the plus strand (T on the coding strand, the reverse complement: ZEB2 is on the minus strand). VCF-style (leftmost placement, unchanged base first): chr2-144429810-CA-C. GRCh37 (hg19) VCF-style: chr2-145187377-CA-C.
Other names: c.289del, p.Trp97fs (NM_001171653.2); c.289del (NM_014795.3); short protein forms W97fs.
Identifiers: ClinVar variation 180207 (VCV000180207.8), dbSNP rs727503784, ClinGen allele CA295846.

ClinVar aggregate classification (germline): Pathogenic. Review status: criteria provided, multiple submitters, no conflicts (2 of 4 stars). 4 submissions from 4 submitters: Pathogenic (3). 1 of the submissions does not count toward it. Last evaluated 2021-11-07.

Conditions:
Mowat-Wilson syndrome (MOWS). Also called: Classic Mowat-Wilson Syndrome. Identifiers: Orphanet 2152, MedGen C1856113, MONDO:0009341, OMIM 235730.

Submissions (4):

Genome-Nilou Lab
Classification: Pathogenic for Mowat-Wilson syndrome. Last evaluated: 2021-11-07. Review status: criteria provided, single submitter. Criteria: ACMG Guidelines, 2015. Collection method: clinical testing. Allele origin: germline. Affected: no.

Labcorp Genetics (formerly Invitae), Labcorp
Classification: Pathogenic for Mowat-Wilson syndrome. Last evaluated: 2021-08-26. Review status: criteria provided, single submitter. Criteria: Invitae Variant Classification Sherloc (09022015). Collection method: clinical testing. Allele origin: germline.

GeneDx
Classification: Pathogenic for Mowat-Wilson Syndrome: Autosomal dominant inheritence. Last evaluated: 2014-06-11. Review status: criteria provided, single submitter. Criteria: GeneDx Variant Classification (06012015). Collection method: clinical testing. Allele origin: germline. Affected: yes.
Comment: This mutation is denoted as c.289delT at the cDNA level and p.Trp97GlyfsX11 at the protein level; it is in exon 3 in the ZEB2 gene (NM_014795.3). The normal sequence with the base that is deleted in braces is: ACCCC{T}GGCA. The c.289delT mutation in the ZEB2 gene has not been reported previously as a disease-causing mutation nor as a benign polymorphism, to our knowledge. The c.289delT mutation in the ZEB2 gene causes a frameshift starting with codon Tryptophan 97, changes this amino acid to a Glycine residue and creates a premature Stop codon at position 11 of the new reading frame, denoted p.Trp97GlyfsX11. This mutation is predicted to cause loss of normal protein function either through protein truncation or nonsense-mediated mRNA decay. The c.289delT mutation was not observed in approximately 6,500 individuals of European and African American ancestry in the NHLBI Exome Sequencing Project, indicating it is not a common benign variant in these populations. We interpret c.289delT as a disease-causing mutation, and its presence is consistent with a diagnosis of Mowat-Wilson syndrome, an autosomal dominant disorder. This variant has been observed de novo with confirmed parentage. The variant is found in INFANT-EPI panel(s).

Mendelics
Classification: Pathogenic for Mowat-Wilson syndrome. Last evaluated: 2014-11-09. Review status: no assertion criteria provided. Collection method: clinical testing. Allele origin: de novo. Affected: yes. Not counted in ClinVar's aggregate classification.

Literature cited by the submitters: PubMed 2030158 (cited by Mendelics); PubMed 19006215 (cited by Mendelics).